The following is an entry in ClinVar:

ClinVar aggregate classification (germline): Likely pathogenic (1 of 4 stars; one submission).

gnomAD v4.1: 22 of 1,598,134 alleles (0.0014%); highest among the groups gnomAD compares: Non-Finnish European, 0.0017%; no homozygotes.

Submission:

Labcorp Genetics (formerly Invitae), Labcorp
Classification: Likely pathogenic. Last evaluated: 2025-01-27. Review status: criteria provided, single submitter. Criteria: Invitae Variant Classification Sherloc (09022015). Collection method: clinical testing. Allele origin: germline.
Comment: This sequence change affects an acceptor splice site in intron 2 of the ATF6 gene. It is expected to disrupt RNA splicing. Variants that disrupt the donor or acceptor splice site typically lead to a loss of protein function (PMID: 16199547), and loss-of-function variants in ATF6 are known to be pathogenic (PMID: 26029869, 26063662, 26070061). This variant is not present in population databases (gnomAD no frequency). This variant has not been reported in the literature in individuals affected with ATF6-related conditions. Algorithms developed to predict the effect of sequence changes on RNA splicing suggest that this variant may disrupt the consensus splice site. In summary, the currently available evidence indicates that the variant is pathogenic, but additional data are needed to prove that conclusively. Therefore, this variant has been classified as Likely Pathogenic.

Literature cited by the submitters: PubMed 16199547; PubMed 26029869; PubMed 26063662; PubMed 26070061.

NM_007348.4(ATF6):c.160-2A>G

Gene: ATF6 (activating transcription factor 6; plus strand). Cytogenetic location: 1q23.3.
Variant type: single nucleotide variant.
Coding change: c.160-2A>G on transcript NM_007348.4 (MANE Select); the canonical splice acceptor site of the intron before coding-DNA position 160, A replaced by G.
Molecular consequence: splice acceptor variant.
Genome position (GRCh38, 1-based): chr1:161,781,910, A>G. VCF-style: chr1-161781910-A-G. GRCh37 (hg19) VCF-style: chr1-161751700-A-G.
Other names: c.160-2A>G (NM_001410890.1).
Identifiers: ClinVar variation 3622457 (VCV003622457.2).